The following is an entry in ClinVar:

NM_177438.3(DICER1):c.731A>G (p.Asp244Gly)

Gene: DICER1 (dicer 1, ribonuclease III; minus strand). Cytogenetic location: 14q32.13.
Variant type: single nucleotide variant.
Coding change: c.731A>G on transcript NM_177438.3 (MANE Select); coding-DNA position 731, A replaced by G.
Protein change: p.Asp244Gly; replaces aspartic acid 244 with glycine.
Molecular consequence: missense variant. On other transcripts: 5 prime UTR variant (1), non-coding transcript variant (6).
Genome position (GRCh38, 1-based): chr14:95,129,475, T>C on the plus strand (A>G on the coding strand, the complement: DICER1 is on the minus strand). VCF-style: chr14-95129475-T-C. GRCh37 (hg19) VCF-style: chr14-95595812-T-C.
Other names: c.731A>G, p.Asp244Gly (NM_001195573.1, NM_001271282.3, NM_001291628.2 and 14 more transcripts); c.449A>G, p.Asp150Gly (NM_001395686.1); c.326A>G, p.Asp109Gly (NM_001395687.1, NM_001395688.1, NM_001395689.1 and 3 more transcripts); c.164A>G, p.Asp55Gly (NM_001395691.1); c.-838A>G (NM_001395697.1); short protein forms D150G, D109G, D244G, D55G.
Identifiers: ClinVar variation 4746763 (VCV004746763.1).

ClinVar aggregate classification (germline): Uncertain significance (1 of 4 stars; one submission).

Conditions:
DICER1-related tumor predisposition. Also called: DICER1-related pleuropulmonary blastoma cancer predisposition syndrome; DICER1 syndrome. Identifiers: Orphanet 284343, MedGen C3839822, MONDO:0100216.

gnomAD v4.1: 3 of 1,613,542 alleles (0.00019%); highest among the groups gnomAD compares: South Asian, 0.0022%; no homozygotes.

Submission:

Labcorp Genetics (formerly Invitae), Labcorp
Classification: Uncertain significance for DICER1-related tumor predisposition. Last evaluated: 2025-02-13. Review status: criteria provided, single submitter. Criteria: Invitae Variant Classification Sherloc (09022015). Collection method: clinical testing. Allele origin: germline.
Comment: This sequence change replaces aspartic acid, which is acidic and polar, with glycine, which is neutral and non-polar, at codon 244 of the DICER1 protein (p.Asp244Gly). This variant is present in population databases (rs764223602, gnomAD 0.003%). This variant has not been reported in the literature in individuals affected with DICER1-related conditions. Invitae Evidence Modeling of protein sequence and biophysical properties (such as structural, functional, and spatial information, amino acid conservation, physicochemical variation, residue mobility, and thermodynamic stability) indicates that this missense variant is not expected to disrupt DICER1 protein function with a negative predictive value of 95%. In summary, the available evidence is currently insufficient to determine the role of this variant in disease. Therefore, it has been classified as a Variant of Uncertain Significance.